The following is an entry in ClinVar:

ClinVar aggregate classification (germline): Uncertain significance (1 of 4 stars; one submission).

Conditions:
Hereditary cancer-predisposing syndrome. Also called: Tumor predisposition; Neoplastic Syndromes, Hereditary; Hereditary Cancer Syndrome; Hereditary neoplastic syndrome. Identifiers: Orphanet 140162, MedGen C0027672, MeSH D009386, MONDO:0015356.

Submission:

Ambry Genetics
Classification: Uncertain significance for Hereditary cancer-predisposing syndrome. Last evaluated: 2024-06-30. Review status: criteria provided, single submitter. Criteria: Ambry Variant Classification Scheme 2023. Collection method: clinical testing. Allele origin: germline.
Comment: The p.R194L variant (also known as c.581G>T), located in coding exon 3 of the FLCN gene, results from a G to T substitution at nucleotide position 581. The arginine at codon 194 is replaced by leucine, an amino acid with dissimilar properties. This amino acid position is conserved. In addition, the in silico prediction for this alteration is inconclusive. Based on the available evidence, the clinical significance of this variant remains unclear.

NM_144997.7(FLCN):c.581G>T (p.Arg194Leu)

Gene: FLCN (folliculin; minus strand). Cytogenetic location: 17p11.2.
Variant type: single nucleotide variant.
Coding change: c.581G>T on transcript NM_144997.7 (MANE Select); coding-DNA position 581, G replaced by T.
Protein change: p.Arg194Leu; replaces arginine 194 with leucine.
Molecular consequence: missense variant.
Genome position (GRCh38, 1-based): chr17:17,223,959, C>A on the plus strand (G>T on the coding strand, the complement: FLCN is on the minus strand). VCF-style: chr17-17223959-C-A. GRCh37 (hg19) VCF-style: chr17-17127273-C-A.
Other names: c.635G>T, p.Arg212Leu (NM_001353229.2); c.581G>T, p.Arg194Leu (NM_001353230.2, NM_001353231.2, NM_144606.7); short protein forms R212L, R194L.
Identifiers: ClinVar variation 3515623 (VCV003515623.1).